The following is an entry in ClinVar:

NM_015404.4(WHRN):c.157_166del (p.Ala53fs)

Gene: WHRN (whirlin; minus strand). Cytogenetic location: 9q32.
Variant type: Deletion.
Coding change: c.157_166del on transcript NM_015404.4 (MANE Select); coding-DNA positions 157 to 166, 10 bases deleted (GCGGAGCGGG; older notation c.157_166delGCGGAGCGGG).
Protein change: p.Ala53fs; shifts the reading frame from alanine 53.
Molecular consequence: frameshift variant.
Genome position (GRCh38, 1-based): chr9:114,504,636-114,504,645, CCCGCTCCGC deleted on the plus strand (GCGGAGCGGG on the coding strand, the reverse complement: WHRN is on the minus strand); deleting any 10 consecutive bases within chr9:114,504,636-114,504,646 gives the same sequence; the c. name uses the placement nearest the transcript's 3' end. VCF-style (leftmost placement, unchanged base first): chr9-114504635-TCCCGCTCCGC-T. GRCh37 (hg19) VCF-style: chr9-117266915-TCCCGCTCCGC-T.
Other names: c.157_166del, p.Ala53fs (NM_001173425.2); short protein forms A53fs.
Identifiers: ClinVar variation 1377058 (VCV001377058.6), dbSNP rs2133482258, ClinGen allele CA2573143850.

ClinVar aggregate classification (germline): Pathogenic (1 of 4 stars; one submission).

Submission:

Labcorp Genetics (formerly Invitae), Labcorp
Classification: Pathogenic. Last evaluated: 2022-11-28. Review status: criteria provided, single submitter. Criteria: Invitae Variant Classification Sherloc (09022015). Collection method: clinical testing. Allele origin: germline.
Comment: This sequence change creates a premature translational stop signal (p.Ala53Serfs*7) in the WHRN gene. It is expected to result in an absent or disrupted protein product. Loss-of-function variants in WHRN are known to be pathogenic (PMID: 12833159, 15841483, 22147658). This variant has not been reported in the literature in individuals affected with WHRN-related conditions. ClinVar contains an entry for this variant (Variation ID: 1377058). For these reasons, this variant has been classified as Pathogenic. This variant is not present in population databases (gnomAD no frequency).

Literature cited by the submitters: PubMed 12833159; PubMed 15841483; PubMed 22147658.